The following is an entry in ClinVar:

ClinVar aggregate classification (germline): Likely benign. Review status: criteria provided, single submitter (1 of 4 stars). 2 submissions from 2 submitters: Likely benign (1). 1 of the submissions does not count toward it. Last evaluated 2024-10-09.

Conditions:
NAGLU-related disorder. Also called: NAGLU-related condition.
Charcot-Marie-Tooth disease axonal type 2V. Also called: CHARCOT-MARIE-TOOTH NEUROPATHY, TYPE 2V; CHARCOT-MARIE-TOOTH DISEASE, AXONAL, AUTOSOMAL DOMINANT, TYPE 2V. Identifiers: Orphanet 447964, MedGen C5569050, MONDO:0014665, OMIM 616491.
Mucopolysaccharidosis, MPS-III-B (MPS3B). Also called: MPS III B; Mucopolysaccharidosis type IIIB (Sanfilippo B); N-ACETYL-ALPHA-D-GLUCOSAMINIDASE DEFICIENCY; NAGLU DEFICIENCY; SANFILIPPO SYNDROME B; MUCOPOLYSACCHARIDOSIS, TYPE IIIB. Identifiers: Orphanet 79270, MedGen C0086648, MONDO:0009656, OMIM 252920.

Allele frequency attached by ClinVar (database versions not stated): gnomAD exomes 0.00001; TOPMed 0.00001; ExAC 0.00001.
gnomAD v4.1: 4 of 1,613,430 alleles (0.00025%); highest among the groups gnomAD compares: Middle Eastern, 0.016%; no homozygotes.

Submissions (2):

Labcorp Genetics (formerly Invitae), Labcorp
Classification: Likely benign for Charcot-Marie-Tooth disease axonal type 2V; Mucopolysaccharidosis, MPS-III-B. Last evaluated: 2024-10-09. Review status: criteria provided, single submitter. Criteria: Invitae Variant Classification Sherloc (09022015). Collection method: clinical testing. Allele origin: germline.

PreventionGenetics, part of Exact Sciences
Classification: Likely benign for NAGLU-related condition. Last evaluated: 2019-05-20. Review status: no assertion criteria provided. Collection method: clinical testing. Allele origin: germline. Not counted in ClinVar's aggregate classification.
Comment: This variant is classified as likely benign based on ACMG/AMP sequence variant interpretation guidelines (Richards et al. 2015 PMID: 25741868, with internal and published modifications).

NM_000263.4(NAGLU):c.1326C>A (p.Gly442=)

Gene: NAGLU (N-acetyl-alpha-glucosaminidase; plus strand). Cytogenetic location: 17q21.2.
Variant type: single nucleotide variant.
Coding change: c.1326C>A on transcript NM_000263.4 (MANE Select); coding-DNA position 1326, C replaced by A.
Protein change: p.Gly442=; no amino-acid change (glycine 442 retained).
Molecular consequence: synonymous variant.
Genome position (GRCh38, 1-based): chr17:42,543,332, C>A. VCF-style: chr17-42543332-C-A. GRCh37 (hg19) VCF-style: chr17-40695350-C-A.
Other names: c.1326C>A (NM_000263.3).
Identifiers: ClinVar variation 1080935 (VCV001080935.11), dbSNP rs757069066, ClinGen allele CA8576997.
Genomic context (GRCh38, chr17:42,543,332, plus strand): 5'-TGTGAACGGAGGCCCAGAAGCTGCCCGCCTCTTCCCCAACTCCACCATGGTAGGCACGGG[C>A]ATGGCCCCCGAGGGCATCAGCCAGAACGAAGTGGTCTATTCCCTCATGGCTGAGCTGGGC-3'
Protein context (NP_000254.2, residues 432-452): LFPNSTMVGT[Gly442=]MAPEGISQNE